The following is an entry in ClinVar:

NM_002067.5(GNA11):c.623G>A (p.Gly208Asp)

Gene: GNA11 (G protein subunit alpha 11; plus strand). Cytogenetic location: 19p13.3.
Variant type: single nucleotide variant.
Coding change: c.623G>A on transcript NM_002067.5 (MANE Select); coding-DNA position 623, G replaced by A.
Protein change: p.Gly208Asp; replaces glycine 208 with aspartic acid.
Molecular consequence: missense variant.
Genome position (GRCh38, 1-based): chr19:3,118,941, G>A. VCF-style: chr19-3118941-G-A. GRCh37 (hg19) VCF-style: chr19-3118939-G-A.
Other names: short protein forms G208D.
Identifiers: ClinVar variation 3721125 (VCV003721125.2).
Genomic context (GRCh38, chr19:3,118,941, plus strand): 5'-TTGGGGCGCCAGGTGGCTGAGTCCTGGCGCTGTGTCCTTTCAGGATGGTGGATGTGGGGG[G>A]CCAGCGGTCGGAGCGGAGGAAGTGGATCCACTGCTTTGAGAACGTGACATCCATCATGTT-3'
Protein context (NP_002058.2, residues 198-218): NIIFRMVDVG[Gly208Asp]QRSERRKWIH

ClinVar aggregate classification (germline): Uncertain significance (1 of 4 stars; one submission).

gnomAD v4.1: 1 of 1,613,834 alleles (0.000062%); highest among the groups gnomAD compares: East Asian, 0.0022%; no homozygotes.

Submission:

Labcorp Genetics (formerly Invitae), Labcorp
Classification: Uncertain significance. Last evaluated: 2024-12-12. Review status: criteria provided, single submitter. Criteria: Invitae Variant Classification Sherloc (09022015). Collection method: clinical testing. Allele origin: germline.
Comment: This sequence change replaces glycine, which is neutral and non-polar, with aspartic acid, which is acidic and polar, at codon 208 of the GNA11 protein (p.Gly208Asp). This variant is not present in population databases (gnomAD no frequency). This variant has not been reported in the literature in individuals affected with GNA11-related conditions. Invitae Evidence Modeling of protein sequence and biophysical properties (such as structural, functional, and spatial information, amino acid conservation, physicochemical variation, residue mobility, and thermodynamic stability) indicates that this missense variant is expected to disrupt GNA11 protein function with a positive predictive value of 80%. In summary, the available evidence is currently insufficient to determine the role of this variant in disease. Therefore, it has been classified as a Variant of Uncertain Significance.